The following is an entry in ClinVar:

ClinVar aggregate classification (germline): Pathogenic (1 of 4 stars; one submission).

Conditions:
Heterotopia, periventricular, X-linked dominant (PVNH1). Also called: PERIVENTRICULAR NODULAR HETEROTOPIA 1; X-linked periventricular heterotopia; PERIVENTRICULAR NODULAR HETEROTOPIA 4; HETEROTOPIA, PERIVENTRICULAR, 1. Identifiers: Orphanet 2149, Orphanet 82004, MedGen C1848213, MONDO:0010233, OMIM 300049.
Melnick-Needles syndrome (MNS). Also called: MELNICK-NEEDLES OSTEODYSPLASTY; OSTEODYSPLASTY OF MELNICK AND NEEDLES; Melnick-Needles Syndrome (FLNA-MNS). Identifiers: Orphanet 2484, MedGen C0025237, MONDO:0010650, OMIM 309350.
Frontometaphyseal dysplasia (FMD1). Identifiers: Orphanet 1826, MedGen C0265293, MONDO:0015942.
Oto-palato-digital syndrome, type II (OPD2). Also called: OPD II SYNDROME; FACIOPALATOOSSEOUS SYNDROME; Otopalatodigital Syndrome Type 2 (FLNA-OPD2); Otopalatodigital Syndrome, Type II. Identifiers: Orphanet 669, Orphanet 90652, MedGen C1844696, MONDO:0010571, OMIM 304120.

Submission:

Labcorp Genetics (formerly Invitae), Labcorp
Classification: Pathogenic for Oto-palato-digital syndrome, type II; Heterotopia, periventricular, X-linked dominant; Frontometaphyseal dysplasia; Melnick-Needles syndrome. Last evaluated: 2022-11-22. Review status: criteria provided, single submitter. Criteria: Invitae Variant Classification Sherloc (09022015). Collection method: clinical testing. Allele origin: germline.
Comment: For these reasons, this variant has been classified as Pathogenic. ClinVar contains an entry for this variant (Variation ID: 1069630). This variant has not been reported in the literature in individuals affected with FLNA-related conditions. This variant is not present in population databases (gnomAD no frequency). This sequence change creates a premature translational stop signal (p.Glu112Glyfs*54) in the FLNA gene. It is expected to result in an absent or disrupted protein product. Loss-of-function variants in FLNA are known to be pathogenic (PMID: 16684786, 20730588, 26471271).

Literature cited by the submitters: PubMed 16684786; PubMed 20730588; PubMed 26471271.

NM_001110556.2(FLNA):c.334_335insGAGAACGTGTCGG (p.Glu112fs)

Gene: FLNA (filamin A; minus strand). Cytogenetic location: Xq28.
Variant type: Insertion.
Coding change: c.334_335insGAGAACGTGTCGG on transcript NM_001110556.2 (MANE Select); coding-DNA positions 334 to 335, GAGAACGTGTCGG inserted.
Protein change: p.Glu112fs; shifts the reading frame from glutamic acid 112.
Molecular consequence: frameshift variant.
Genome position: GRCh38 VCF-style: chrX-154370911-T-TCCGACACGTTCTC. GRCh37 (hg19) VCF-style: chrX-153599279-T-TCCGACACGTTCTC.
Other names: c.334_335insGAGAACGTGTCGG, p.Glu112fs (NM_001456.4); short protein forms E112fs.
Identifiers: ClinVar variation 1069630 (VCV001069630.7), dbSNP rs2148121859, ClinGen allele CA2499226488.